The following is an entry in ClinVar:

ClinVar aggregate classification (germline): Pathogenic (1 of 4 stars; one submission).

Submission:

Labcorp Genetics (formerly Invitae), Labcorp
Classification: Pathogenic. Last evaluated: 2022-06-27. Review status: criteria provided, single submitter. Criteria: Invitae Variant Classification Sherloc (09022015). Collection method: clinical testing. Allele origin: germline.
Comment: This sequence change creates a premature translational stop signal (p.Gln75Glyfs*37) in the ADAMTS19 gene. It is expected to result in an absent or disrupted protein product. Loss-of-function variants in ADAMTS19 are known to be pathogenic (PMID: 31844321, 32323311). This variant is not present in population databases (gnomAD no frequency). This variant has not been reported in the literature in individuals affected with ADAMTS19-related conditions. For these reasons, this variant has been classified as Pathogenic.

Literature cited by the submitters: PubMed 31844321; PubMed 32323311.

NM_133638.6(ADAMTS19):c.237_238del (p.Gln81fs)

Gene: ADAMTS19 (ADAM metallopeptidase with thrombospondin type 1 motif 19; plus strand). Cytogenetic location: 5q23.3.
Variant type: Deletion.
Coding change: c.237_238del on transcript NM_133638.6 (MANE Select); coding-DNA positions 237 to 238, 2 bases deleted (GG; older notation c.237_238delGG).
Protein change: p.Gln81fs; shifts the reading frame from glutamine 81.
Molecular consequence: frameshift variant.
Genome position (GRCh38, 1-based): chr5:129,461,247-129,461,248, GG deleted; deleting any 2 consecutive bases within chr5:129,461,246-129,461,248 gives the same sequence; the c. name uses the placement nearest the transcript's 3' end. VCF-style (leftmost placement, unchanged base first): chr5-129461245-CGG-C. GRCh37 (hg19) VCF-style: chr5-128796938-CGG-C.
Other names: short protein forms Q81fs.
Identifiers: ClinVar variation 2063500 (VCV002063500.1), dbSNP rs2479600524, ClinGen allele CA2580072609.